The following is an entry in ClinVar:

ClinVar aggregate classification (germline): Uncertain significance. Review status: criteria provided, multiple submitters, no conflicts (2 of 4 stars). 2 submissions from 2 submitters: Uncertain significance (2). Last evaluated 2024-12-17.

Conditions:
Heterotopia, periventricular, X-linked dominant (PVNH1). Also called: X-linked periventricular heterotopia; HETEROTOPIA, PERIVENTRICULAR, 1; PERIVENTRICULAR NODULAR HETEROTOPIA 1; PERIVENTRICULAR NODULAR HETEROTOPIA 4. Identifiers: Orphanet 2149, Orphanet 82004, MedGen C1848213, MONDO:0010233, OMIM 300049.

Submissions (2):

Genomic Medicine Center of Excellence, King Faisal Specialist Hospital and Research Centre
Classification: Uncertain significance for Heterotopia, periventricular, X-linked dominant. Last evaluated: 2024-12-17. Review status: criteria provided, single submitter. Criteria: ACMG Guidelines, 2015. Collection method: clinical testing. Allele origin: germline.

GeneDx
Classification: Uncertain significance. Last evaluated: 2022-07-21. Review status: criteria provided, single submitter. Criteria: GeneDx Variant Classification Process June 2021. Collection method: clinical testing. Allele origin: germline. Affected: yes.
Comment: In silico analysis supports that this missense variant has a deleterious effect on protein structure/function; Has not been previously published as pathogenic or benign to our knowledge

NM_001110556.2(FLNA):c.5996T>C (p.Leu1999Pro)

Gene: FLNA (filamin A; minus strand). Cytogenetic location: Xq28.
Variant type: single nucleotide variant.
Coding change: c.5996T>C on transcript NM_001110556.2 (MANE Select); coding-DNA position 5996, T replaced by C.
Protein change: p.Leu1999Pro; replaces leucine 1999 with proline.
Molecular consequence: missense variant.
Genome position (GRCh38, 1-based): chrX:154,353,322, A>G on the plus strand (T>C on the coding strand, the complement: FLNA is on the minus strand). VCF-style: chrX-154353322-A-G. GRCh37 (hg19) VCF-style: chrX-153581690-A-G.
Other names: c.5972T>C, p.Leu1991Pro (NM_001456.4); short protein forms L1991P, L1999P.
Identifiers: ClinVar variation 2136247 (VCV002136247.2), dbSNP rs2522723851, ClinGen allele CA415197143.
Genomic context (GRCh38, chrX:154,353,322, plus strand): 5'-CTTTCTGAACCCCCTGGACCCTTCAGCCGCTTACCCACGTGGCCATTACGCAGCCGCTTC[A>G]GCAAACAGGGCTCCTCCCGGCCCGAGGGCGGGACCACAGTGGCCGTCAGCAGGCTGAGAT-3'
Protein context (NP_001104026.1, residues 1989-2009): PPSGREEPCL[Leu1999Pro]KRLRNGHVGI